The following is an entry in ClinVar:

NM_014014.5(SNRNP200):c.1203+9C>T

Gene: SNRNP200 (small nuclear ribonucleoprotein U5 subunit 200; minus strand). Cytogenetic location: 2q11.2.
Variant type: single nucleotide variant.
Coding change: c.1203+9C>T on transcript NM_014014.5 (MANE Select); 9 bases into the intron after coding-DNA position 1203, C replaced by T.
Molecular consequence: intron variant.
Genome position (GRCh38, 1-based): chr2:96,297,628, G>A on the plus strand (C>T on the coding strand, the complement: SNRNP200 is on the minus strand). VCF-style: chr2-96297628-G-A. GRCh37 (hg19) VCF-style: chr2-96963366-G-A.
Other names: c.1203+9C>T (NM_014014.4).
Identifiers: ClinVar variation 1166808 (VCV001166808.14), dbSNP rs753985092, ClinGen allele CA1778982.
Genomic context (GRCh38, chr2:96,297,628, plus strand): 5'-AGTAAGCAAGCCGAGCAAGTGAGTTTTCCATCCATCAAGGCCTGGGAAATAAATCGCCCT[G>A]GATCCTACCTCTCCACCCTGGTCGAGATCCATGGTTTCCAGATCTGTGTCCATTCGAGAC-3'

ClinVar aggregate classification (germline): Benign/Likely benign. Review status: criteria provided, multiple submitters, no conflicts (2 of 4 stars). 5 submissions from 5 submitters: Benign (1); Likely benign (1). 3 of the submissions do not count toward it. Last evaluated 2026-01-02.

Conditions:
SNRNP200-related disorder. Also called: SNRNP200-related condition.

Allele frequency attached by ClinVar (database versions not stated): TOPMed 0.00007; gnomAD exomes 0.00014 and 0.00027; gnomAD 0.00016 and 0.00017; ExAC 0.00025.

Submissions (5):

Labcorp Genetics (formerly Invitae), Labcorp
Classification: Benign. Last evaluated: 2026-01-02. Review status: criteria provided, single submitter. Criteria: Invitae Variant Classification Sherloc (09022015). Collection method: clinical testing. Allele origin: germline.

Blueprint Genetics
Classification: Likely benign. Last evaluated: 2024-10-18. Review status: criteria provided, single submitter. Criteria: ACMG Guidelines, 2015. Collection method: clinical testing. Allele origin: germline.

PreventionGenetics, part of Exact Sciences
Classification: Likely benign for SNRNP200-related condition. Last evaluated: 2024-09-17. Review status: no assertion criteria provided. Collection method: clinical testing. Allele origin: germline. Not counted in ClinVar's aggregate classification.
Comment: This variant is classified as likely benign based on ACMG/AMP sequence variant interpretation guidelines (Richards et al. 2015 PMID: 25741868, with internal and published modifications).

Clinical Genetics DNA and cytogenetics Diagnostics Lab, Erasmus MC, Erasmus Medical Center
Classification: Likely benign. Review status: no assertion criteria provided. Collection method: clinical testing. Allele origin: germline. Affected: yes. Study: VKGL Data-share Consensus. Not counted in ClinVar's aggregate classification.

Clinical Genetics, Academic Medical Center
Classification: Benign. Review status: no assertion criteria provided. Collection method: clinical testing. Allele origin: germline. Affected: yes. Study: VKGL Data-share Consensus. Not counted in ClinVar's aggregate classification.